The following is an entry in ClinVar:

NM_000051.4(ATM):c.1185A>G (p.Val395=)

Gene: ATM (ATM serine/threonine kinase; plus strand). Cytogenetic location: 11q22.3.
Variant type: single nucleotide variant.
Coding change: c.1185A>G on transcript NM_000051.4 (MANE Select); coding-DNA position 1185, A replaced by G.
Protein change: p.Val395=; no amino-acid change (valine 395 retained).
Molecular consequence: synonymous variant.
Genome position (GRCh38, 1-based): chr11:108,249,052, A>G. VCF-style: chr11-108249052-A-G. GRCh37 (hg19) VCF-style: chr11-108119779-A-G.
Other names: c.1185A>G, p.Val395= (NM_001351834.2).
Identifiers: ClinVar variation 478994 (VCV000478994.17), dbSNP rs1555069760, ClinGen allele CA476671769.

ClinVar aggregate classification (germline): Benign/Likely benign. Review status: criteria provided, multiple submitters, no conflicts (2 of 4 stars). 6 submissions from 6 submitters: Benign (2); Likely benign (4). Last evaluated 2026-01-25.

Conditions:
Hereditary cancer-predisposing syndrome. Also called: Tumor predisposition; Neoplastic Syndromes, Hereditary; Hereditary Cancer Syndrome; Hereditary neoplastic syndrome. Identifiers: Orphanet 140162, MedGen C0027672, MeSH D009386, MONDO:0015356.
Familial cancer of breast. Also called: BREAST CANCER, FAMILIAL; Hereditary breast cancer; hereditary breast carcinoma. Identifiers: Orphanet 227535, MedGen C0346153, MONDO:0016419, OMIM 114480. Disease mechanism: loss of function.
Ataxia-telangiectasia syndrome (AT). Also called: Cerebello-oculocutaneous telangiectasia; Immunodeficiency with ataxia telangiectasia; ATAXIA-TELANGIECTASIA, COMPLEMENTATION GROUP A; Ataxia-telangiectasia, complementation group D; AT, COMPLEMENTATION GROUP C; ATAXIA-TELANGIECTASIA, FRESNO VARIANT. Identifiers: Orphanet 100, MedGen C0004135, MONDO:0008840, OMIM 208900.

Allele frequency attached by ClinVar (database versions not stated): gnomAD exomes below 0.00001.
gnomAD v4.1: 1 of 1,614,116 alleles (0.000062%); highest among the groups gnomAD compares: Middle Eastern, 0.017%; no homozygotes.

Submissions (6):

Labcorp Genetics (formerly Invitae), Labcorp
Classification: Likely benign for Ataxia-telangiectasia syndrome. Last evaluated: 2026-01-25. Review status: criteria provided, single submitter. Criteria: Invitae Variant Classification Sherloc (09022015). Collection method: clinical testing. Allele origin: germline.

KCCC/NGS Laboratory, Kuwait Cancer Control Center
Classification: Benign for Familial cancer of breast. Last evaluated: 2025-02-01. Review status: criteria provided, single submitter. Criteria: ACMG Guidelines, 2015. Collection method: clinical testing. Allele origin: germline. Affected: no.

Color Diagnostics, LLC DBA Color Health
Classification: Likely benign for Hereditary cancer-predisposing syndrome. Last evaluated: 2024-06-12. Review status: criteria provided, single submitter. Criteria: ACMG Guidelines, 2015. Collection method: clinical testing. Allele origin: germline.

Myriad Genetics, Inc.
Classification: Benign for Familial cancer of breast. Last evaluated: 2024-04-25. Review status: criteria provided, single submitter. Criteria: Myriad Autosomal Dominant, Autosomal Recessive and X-Linked Classification Criteria (2023). Collection method: clinical testing. Allele origin: unknown.
Comment: This variant is considered benign. This variant is a silent/synonymous amino acid change and it is not expected to impact splicing.

GeneDx
Classification: Likely benign. Last evaluated: 2018-01-05. Review status: criteria provided, single submitter. Criteria: GeneDx Variant Classification (06012015). Collection method: clinical testing. Allele origin: germline. Affected: yes.
Comment: This variant is considered likely benign or benign based on one or more of the following criteria: it is a conservative change, it occurs at a poorly conserved position in the protein, it is predicted to be benign by multiple in silico algorithms, and/or has population frequency not consistent with disease.

Ambry Genetics
Classification: Likely benign for Hereditary cancer-predisposing syndrome. Last evaluated: 2016-06-03. Review status: criteria provided, single submitter. Criteria: Ambry Variant Classification Scheme 2023. Collection method: clinical testing. Allele origin: germline.